The following is an entry in ClinVar:

NM_001177693.2(ARHGEF28):c.133A>G (p.Met45Val)

Genes: ARHGEF28 (Rho guanine nucleotide exchange factor 28; plus strand), LOC123497908 (Sharpr-MPRA regulatory region 14554; plus strand). Cytogenetic location: 5q13.2.
Variant type: single nucleotide variant.
Coding change: c.133A>G on transcript NM_001177693.2 (MANE Select); coding-DNA position 133, A replaced by G.
Protein change: p.Met45Val; replaces methionine 45 with valine.
Molecular consequence: missense variant.
Genome position (GRCh38, 1-based): chr5:73,749,936, A>G. VCF-style: chr5-73749936-A-G. GRCh37 (hg19) VCF-style: chr5-73045761-A-G.
Other names: c.133A>G, p.Met45Val (NM_001080479.3, NM_001388076.1, NM_001388078.1); short protein forms M45V.
Identifiers: ClinVar variation 2511392 (VCV002511392.4), dbSNP rs200289106, ClinGen allele CA3304091.

ClinVar aggregate classification (germline): Likely benign. Review status: criteria provided, single submitter (1 of 4 stars). 2 submissions from 2 submitters: Likely benign (1). 1 of the submissions does not count toward it. Last evaluated 2023-04-07.

Conditions:
ARHGEF28-related disorder. Also called: ARHGEF28-related condition.

Allele frequency attached by ClinVar (database versions not stated): ESP Exome Variant Server 0.00032.
gnomAD v4.1: 298 of 1,613,924 alleles (0.018%); highest among the groups gnomAD compares: Non-Finnish European, 0.024%; no homozygotes.

Submissions (2):

Ambry Genetics
Classification: Likely benign. Last evaluated: 2023-04-07. Review status: criteria provided, single submitter. Criteria: Ambry Variant Classification Scheme 2023. Collection method: clinical testing. Allele origin: germline.

PreventionGenetics, part of Exact Sciences
Classification: Likely benign for ARHGEF28-related condition. Last evaluated: 2022-04-07. Review status: no assertion criteria provided. Collection method: clinical testing. Allele origin: germline. Not counted in ClinVar's aggregate classification.
Comment: This variant is classified as likely benign based on ACMG/AMP sequence variant interpretation guidelines (Richards et al. 2015 PMID: 25741868, with internal and published modifications).